The following is an entry in ClinVar:

NM_020738.4(KIDINS220):c.4172T>A (p.Ile1391Asn)

Gene: KIDINS220 (kinase D interacting substrate 220; minus strand). Cytogenetic location: 2p25.1.
Variant type: single nucleotide variant.
Coding change: c.4172T>A on transcript NM_020738.4 (MANE Select); coding-DNA position 4172, T replaced by A.
Protein change: p.Ile1391Asn; replaces isoleucine 1391 with asparagine.
Molecular consequence: missense variant. On other transcripts: intron variant (6).
Genome position (GRCh38, 1-based): chr2:8,731,864, A>T on the plus strand (T>A on the coding strand, the complement: KIDINS220 is on the minus strand). VCF-style: chr2-8731864-A-T. GRCh37 (hg19) VCF-style: chr2-8871994-A-T.
Other names: c.4175T>A, p.Ile1392Asn (NM_001348729.2); c.3885+1580T>A (NM_001348740.2, NM_001348739.2); c.4118T>A, p.Ile1373Asn (NM_001348731.2); c.4115T>A, p.Ile1372Asn (NM_001348732.2); c.4004T>A, p.Ile1335Asn (NM_001348734.2); c.4001T>A, p.Ile1334Asn (NM_001348735.2); c.3875T>A, p.Ile1292Asn (NM_001348736.2); c.3882+1580T>A (NM_001348741.2, NM_001348742.2, NM_001348743.2); and 1 more; short protein forms I1292N, I1372N, I1392N, I1373N, I1334N, I1335N, I1391N.
Identifiers: ClinVar variation 3657893 (VCV003657893.2).
Genomic context (GRCh38, chr2:8,731,864, plus strand): 5'-GAAGATCTGCCACTAATGGTTGTAGACCCGGGGCCCCCTTCTAACTGGGACATCTGAGCA[A>T]TGTATTCTCTATAGGCATCTCTATACTCGGCCTGCACCTTATCAGTAAGCTTTGAAATTT-3'
Protein context (NP_065789.1, residues 1381-1401): AEYRDAYREY[Ile1391Asn]AQMSQLEGGP

ClinVar aggregate classification (germline): Uncertain significance (1 of 4 stars; one submission).

Submission:

Labcorp Genetics (formerly Invitae), Labcorp
Classification: Uncertain significance. Last evaluated: 2024-07-02. Review status: criteria provided, single submitter. Criteria: Invitae Variant Classification Sherloc (09022015). Collection method: clinical testing. Allele origin: germline.
Comment: This sequence change replaces isoleucine, which is neutral and non-polar, with asparagine, which is neutral and polar, at codon 1391 of the KIDINS220 protein (p.Ile1391Asn). This variant is not present in population databases (gnomAD no frequency). This variant has not been reported in the literature in individuals affected with KIDINS220-related conditions. An algorithm developed to predict the effect of missense changes on protein structure and function (PolyPhen-2) suggests that this variant is likely to be disruptive. In summary, the available evidence is currently insufficient to determine the role of this variant in disease. Therefore, it has been classified as a Variant of Uncertain Significance.